The following is an entry in ClinVar:

NM_000133.4(F9):c.88+5_88+8del

Gene: F9 (coagulation factor IX; plus strand). Cytogenetic location: Xq27.1.
Variant type: Microsatellite.
Coding change: c.88+5_88+8del on transcript NM_000133.4 (MANE Select); bases 5 to 8 of the intron after coding-DNA position 88, 4 bases deleted (GTTT; older notation c.88+5_88+8delGTTT).
Molecular consequence: splice donor variant.
Genome position (GRCh38, 1-based): chrX:139,530,857-139,530,860, GTTT deleted; deleting any 4 consecutive bases within chrX:139,530,853-139,530,860 gives the same sequence; the c. name uses the placement nearest the transcript's 3' end. VCF-style (leftmost placement, unchanged base first): chrX-139530852-GGTTT-G. GRCh37 (hg19) VCF-style: chrX-138613011-GGTTT-G.
Other names: c.88+5_88+8del (NM_001313913.2).
Identifiers: ClinVar variation 811977 (VCV000811977.11), dbSNP rs1603263399, ClinGen allele CA915952340.
Genomic context (GRCh38, chrX:139,530,852, plus strand): 5'-GAATCACCAGGCCTCATCACCATCTGCCTTTTAGGATATCTACTCAGTGCTGAATGTACA[GGTTT>G]GTTTCCTTTTTTAAAATACATTGAGTATGCTTGCCTTTTAGATATAGAAATATCTGATGC-3'

ClinVar aggregate classification (germline): Likely pathogenic. Review status: criteria provided, single submitter (1 of 4 stars). 2 submissions from 2 submitters: Likely pathogenic (1). 1 of the submissions does not count toward it. Last evaluated 2019-04-10.

Conditions:
Hereditary factor IX deficiency disease (HEMB). Also called: Christmas Disease; F9 DEFICIENCY; FACTOR IX DEFICIENCY; PLASMA THROMBOPLASTIN COMPONENT DEFICIENCY; Hemophilia B. Identifiers: Orphanet 98879, MedGen C0008533, MeSH D002836, MONDO:0010604, OMIM 306900.

Submissions (2):

ARUP Laboratories, Molecular Genetics and Genomics, ARUP Laboratories
Classification: Likely pathogenic. Last evaluated: 2019-04-10. Review status: criteria provided, single submitter. Criteria: ARUP Molecular Germline Variant Investigation Process. Collection method: clinical testing. Allele origin: germline.
Comment: The F9 c.88+5_88+8delGTTT variant, also published as c.88+1_4delGTTT and 118-121delGTTT, is reported in the literature in multiple individuals affected with hemophilia B (Belvini 2005, Radic 2013, Factor IX database and references therein). Samples from affected individuals with this variant exhibit F9 activity at 1% or less of wildtype (Radic 2013, Factor IX database), indicative of moderate to severe disease. This variant is absent from general population databases (Exome Variant Server, Genome Aggregation Database), indicating it is not a common polymorphism. This is an intronic variant that deletes four nucleotides adjacent to the intron 1 splice donor, and computational analyses (Alamut v.2.11) predict that this variant impacts splicing by weakening this canonical donor splice site, though RNA analyses would be required to confirm these predictions. Based on available information, this variant is considered to be likely pathogenic. References: Factor IX database: Belvini D et al. Molecular genotyping of the Italian cohort of patients with hemophilia B. Haematologica. 2005 May;90(5):635-42. Radic CP et al. Assessment of the F9 genotype-specific FIX inhibitor risks and characterisation of 10 novel severe F9 defects in the first molecular series of Argentinian patients with haemophilia B. Thromb Haemost. 2013 Jan;109(1):24-33.

Angelo Bianchi Bonomi Hemophilia and Thrombosis Center, Fondazione IRCCS Ca Granda Ospedale Maggiore Policlinico
Classification: Pathogenic for Hereditary factor IX deficiency disease. Last evaluated: 2019-06-01. Review status: no assertion criteria provided. Collection method: clinical testing. Allele origin: germline. Affected: yes. Observed: 1 variant allele. Not counted in ClinVar's aggregate classification.